The following is an entry in ClinVar:

ClinVar aggregate classification (germline): Uncertain significance (1 of 4 stars; one submission).

Conditions:
Ehlers-Danlos syndrome, classic type, 1 (EDSCL1). Also called: EHLERS-DANLOS SYNDROME, GRAVIS TYPE; EHLERS-DANLOS SYNDROME, SEVERE CLASSIC TYPE; Ehlers-Danlos syndrome, type 1; Ehlers-Danlos Syndrome, Classic Type, COL5A1-Related; EDS I. Identifiers: MedGen C0268335, MONDO:0019567, OMIM 130000.
Osteogenesis imperfecta type I (OI1). Also called: OI, TYPE I; OSTEOGENESIS IMPERFECTA TARDA; OSTEOGENESIS IMPERFECTA WITH BLUE SCLERAE; Osteogenesis imperfecta type 1; Lobstein's Disease; Lobstein disease. Identifiers: Orphanet 216796, Orphanet 666, MedGen C0023931, MONDO:0008146, OMIM 166200. Disease mechanism: loss of function.

Submission:

Labcorp Genetics (formerly Invitae), Labcorp
Classification: Uncertain significance for Osteogenesis imperfecta type I; Ehlers-Danlos syndrome, classic type, 1. Last evaluated: 2025-12-09. Review status: criteria provided, single submitter. Criteria: Invitae Variant Classification Sherloc (09022015). Collection method: clinical testing. Allele origin: germline.
Comment: This sequence change replaces glutamine, which is neutral and polar, with histidine, which is basic and polar, at codon 1145 of the COL1A2 protein (p.Gln1145His). This variant is not present in population databases (gnomAD no frequency). This variant has not been reported in the literature in individuals affected with COL1A2-related conditions. Invitae Evidence Modeling of protein sequence and biophysical properties (such as structural, functional, and spatial information, amino acid conservation, physicochemical variation, residue mobility, and thermodynamic stability) has been performed for this missense variant. However, the output from this modeling did not meet the statistical confidence thresholds required to predict the impact of this variant on COL1A2 protein function. In summary, the available evidence is currently insufficient to determine the role of this variant in disease. Therefore, it has been classified as a Variant of Uncertain Significance.

NM_000089.4(COL1A2):c.3435G>C (p.Gln1145His)

Gene: COL1A2 (collagen type I alpha 2 chain; plus strand). Cytogenetic location: 7q21.3.
Variant type: single nucleotide variant.
Coding change: c.3435G>C on transcript NM_000089.4 (MANE Select); coding-DNA position 3435, G replaced by C.
Protein change: p.Gln1145His; replaces glutamine 1145 with histidine.
Molecular consequence: missense variant.
Genome position (GRCh38, 1-based): chr7:94,427,794, G>C. VCF-style: chr7-94427794-G-C. GRCh37 (hg19) VCF-style: chr7-94057106-G-C.
Other names: short protein forms Q1145H.
Identifiers: ClinVar variation 4788816 (VCV004788816.1).